The following is an entry in ClinVar:

NM_001089.3(ABCA3):c.1835C>T (p.Pro612Leu)

Gene: ABCA3 (ATP binding cassette subfamily A member 3; minus strand). Cytogenetic location: 16p13.3.
Variant type: single nucleotide variant.
Coding change: c.1835C>T on transcript NM_001089.3 (MANE Select); coding-DNA position 1835, C replaced by T.
Protein change: p.Pro612Leu; replaces proline 612 with leucine.
Molecular consequence: missense variant.
Genome position (GRCh38, 1-based): chr16:2,298,447, G>A on the plus strand (C>T on the coding strand, the complement: ABCA3 is on the minus strand). VCF-style: chr16-2298447-G-A. GRCh37 (hg19) VCF-style: chr16-2348448-G-A.
Other names: short protein forms P612L.
Identifiers: ClinVar variation 4074316 (VCV004074316.1).

ClinVar aggregate classification (germline): Uncertain significance (1 of 4 stars; one submission).

gnomAD v4.1: 27 of 1,613,978 alleles (0.0017%); highest among the groups gnomAD compares: Admixed American, 0.005%; no homozygotes.

Submission:

GeneDx
Classification: Uncertain significance. Last evaluated: 2025-02-08. Review status: criteria provided, single submitter. Criteria: GeneDx Variant Classification Process June 2021. Collection method: clinical testing. Allele origin: germline. Affected: yes.
Comment: In silico analysis supports that this missense variant has a deleterious effect on protein structure/function; Has not been previously published as pathogenic or benign to our knowledge